The following is an entry in ClinVar:

NM_000875.5(IGF1R):c.*4513A>G

Gene: IGF1R (insulin like growth factor 1 receptor; plus strand). Cytogenetic location: 15q26.3.
Variant type: single nucleotide variant.
Coding change: c.*4513A>G on transcript NM_000875.5 (MANE Select); 4513 bases downstream of the stop codon, A replaced by G.
Molecular consequence: 3 prime UTR variant.
Genome position (GRCh38, 1-based): chr15:98,961,955, A>G. VCF-style: chr15-98961955-A-G. GRCh37 (hg19) VCF-style: chr15-99505184-A-G.
Other names: c.*4513A>G (NM_001291858.2).
Identifiers: ClinVar variation 317583 (VCV000317583.5), dbSNP rs542634107, ClinGen allele CA10646780.

ClinVar aggregate classification (germline): Benign (1 of 4 stars; one submission).

Conditions:
Growth delay due to insulin-like growth factor I resistance. Also called: Somatomedin end-organ insensitivity to; Somatomedin-c resistance to; IGF-1 resistance; IGF-I RESISTANCE; Insulin-Like Growth Factor I Resistance. Identifiers: Orphanet 73273, MedGen C1849157, MONDO:0010038, OMIM 270450.

Allele frequency attached by ClinVar (database versions not stated): gnomAD 0.00060 and 0.00082; TOPMed 0.00096; gnomAD exomes 0.00158; 1000 Genomes Project 30x 0.00484; 1000 Genomes Project 0.00499.
gnomAD v4.1: 252 of 233,354 alleles (0.11%); highest among the groups gnomAD compares: East Asian, 1.4%; no homozygotes.

Submission:

Illumina Laboratory Services, Illumina
Classification: Benign for Growth delay due to insulin-like growth factor I resistance. Last evaluated: 2018-01-13. Review status: criteria provided, single submitter. Criteria: ICSL Variant Classification Criteria 13 December 2019. Collection method: clinical testing. Allele origin: germline.
Comment: This variant was observed in the ICSL laboratory as part of a predisposition screen in an ostensibly healthy population. It had not been previously curated by ICSL or reported in the Human Gene Mutation Database (HGMD: prior to June 1st, 2018), and was therefore a candidate for classification through an automated scoring system. Utilizing variant allele frequency, disease prevalence and penetrance estimates, and inheritance mode, an automated score was calculated to assess if this variant is too frequent to cause the disease. Based on the score and internal cut-off values, a variant classified as benign is not then subjected to further curation. The score for this variant resulted in a classification of benign for this disease.